The following is an entry in ClinVar:

NM_031483.7(ITCH):c.828T>C (p.Pro276=)

Gene: ITCH (itchy E3 ubiquitin protein ligase; plus strand). Cytogenetic location: 20q11.22.
Variant type: single nucleotide variant.
Coding change: c.828T>C on transcript NM_031483.7 (MANE Select); coding-DNA position 828, T replaced by C.
Protein change: p.Pro276=; no amino-acid change (proline 276 retained).
Molecular consequence: synonymous variant.
Genome position (GRCh38, 1-based): chr20:34,440,303, T>C. VCF-style: chr20-34440303-T-C. GRCh37 (hg19) VCF-style: chr20-33028108-T-C.
Other names: c.951T>C, p.Pro317= (NM_001257137.3, NM_001324197.2); c.498T>C, p.Pro166= (NM_001257138.3); c.828T>C, p.Pro276= (NM_001324198.2).
Identifiers: ClinVar variation 755880 (VCV000755880.30), dbSNP rs373885533, ClinGen allele CA9821441.

ClinVar aggregate classification (germline): Likely benign. Review status: criteria provided, multiple submitters, no conflicts (2 of 4 stars). 3 submissions from 3 submitters: Likely benign (3). Last evaluated 2025-06-29.

Conditions:
Syndromic multisystem autoimmune disease due to ITCH deficiency. Also called: AUTOIMMUNE DISEASE, MULTISYSTEM, WITH FACIAL DYSMORPHISM. Identifiers: Orphanet 228426, MedGen C3150649, MONDO:0013245, OMIM 613385.

Allele frequency attached by ClinVar (database versions not stated): ExAC 0.00008; ESP Exome Variant Server 0.00008; gnomAD exomes 0.00008 and 0.00030; TOPMed 0.00008; gnomAD 0.00009.
gnomAD v4.1: 440 of 1,614,064 alleles (0.027%); highest among the groups gnomAD compares: Non-Finnish European, 0.035%; no homozygotes.

Submissions (3):

Labcorp Genetics (formerly Invitae), Labcorp
Classification: Likely benign for Syndromic multisystem autoimmune disease due to ITCH deficiency. Last evaluated: 2025-06-29. Review status: criteria provided, single submitter. Criteria: Invitae Variant Classification Sherloc (09022015). Collection method: clinical testing. Allele origin: germline.

CeGaT Center for Human Genetics Tuebingen
Classification: Likely benign. Last evaluated: 2024-05-01. Review status: criteria provided, single submitter. Criteria: CeGaT Center For Human Genetics Tuebingen Variant Classification Criteria Version 2. Collection method: clinical testing. Allele origin: germline. Affected: yes. Observed: 1 variant allele.
Comment: ITCH: BP4, BP7

Blueprint Genetics
Classification: Likely benign. Last evaluated: 2024-04-05. Review status: criteria provided, single submitter. Criteria: ACMG Guidelines, 2015. Collection method: clinical testing. Allele origin: germline.